The following is an entry in ClinVar:

ClinVar aggregate classification (germline): Uncertain significance. Review status: criteria provided, multiple submitters, no conflicts (2 of 4 stars). 2 submissions from 2 submitters: Uncertain significance (2). Last evaluated 2024-01-14.

Conditions:
Hereditary cancer-predisposing syndrome. Also called: Hereditary neoplastic syndrome; Neoplastic Syndromes, Hereditary; Hereditary Cancer Syndrome; Tumor predisposition. Identifiers: Orphanet 140162, MedGen C0027672, MeSH D009386, MONDO:0015356.
Familial cancer of breast. Also called: BREAST CANCER, FAMILIAL; Hereditary breast cancer; hereditary breast carcinoma. Identifiers: Orphanet 227535, MedGen C0346153, MONDO:0016419, OMIM 114480. Disease mechanism: loss of function.

gnomAD v4.1: 6 of 1,614,032 alleles (0.00037%); highest among the groups gnomAD compares: Non-Finnish European, 0.00051%; no homozygotes.

Submissions (2):

Labcorp Genetics (formerly Invitae), Labcorp
Classification: Uncertain significance for Familial cancer of breast. Last evaluated: 2024-01-14. Review status: criteria provided, single submitter. Criteria: Invitae Variant Classification Sherloc (09022015). Collection method: clinical testing. Allele origin: germline.
Comment: This sequence change replaces arginine, which is basic and polar, with leucine, which is neutral and non-polar, at codon 95 of the CHEK2 protein (p.Arg95Leu). This variant is not present in population databases (gnomAD no frequency). This variant has not been reported in the literature in individuals affected with CHEK2-related conditions. ClinVar contains an entry for this variant (Variation ID: 530025). An algorithm developed to predict the effect of missense changes on protein structure and function (PolyPhen-2) suggests that this variant is likely to be disruptive. In summary, the available evidence is currently insufficient to determine the role of this variant in disease. Therefore, it has been classified as a Variant of Uncertain Significance.

Ambry Genetics
Classification: Uncertain significance for Hereditary cancer-predisposing syndrome. Last evaluated: 2023-11-29. Review status: criteria provided, single submitter. Criteria: Ambry Variant Classification Scheme 2023. Collection method: clinical testing. Allele origin: germline.
Comment: The p.R95L variant (also known as c.284G>T), located in coding exon 1 of the CHEK2 gene, results from a G to T substitution at nucleotide position 284. The arginine at codon 95 is replaced by leucine, an amino acid with dissimilar properties. This alteration was reported as functionally intermediate in a study assessing CHEK2-complementation through quantification of KAP1 phosphorylation and CHK2 autophosphorylation in human RPE1-CHEK2-knockout cells (Stolarova L et al. Clin Cancer Res, 2023 Aug;29:3037-3050). This amino acid position is highly conserved in available vertebrate species. In addition, this alteration is predicted to be deleterious by in silico analysis. Since supporting evidence is limited at this time, the clinical significance of this alteration remains unclear.

Literature cited by the submitters: PubMed 37449874 (cited by Ambry Genetics).

NM_007194.4(CHEK2):c.284G>T (p.Arg95Leu)

Gene: CHEK2 (checkpoint kinase 2; minus strand). Cytogenetic location: 22q12.1.
Variant type: single nucleotide variant.
Coding change: c.284G>T on transcript NM_007194.4 (MANE Select); coding-DNA position 284, G replaced by T.
Protein change: p.Arg95Leu; replaces arginine 95 with leucine.
Molecular consequence: missense variant.
Genome position (GRCh38, 1-based): chr22:28,734,438, C>A on the plus strand (G>T on the coding strand, the complement: CHEK2 is on the minus strand). VCF-style: chr22-28734438-C-A. GRCh37 (hg19) VCF-style: chr22-29130426-C-A.
Other names: c.284G>T, p.Arg95Leu (NM_001005735.3, NM_001349956.3, NM_145862.3); c.-494G>T (NM_001257387.3); short protein forms R95L.
Identifiers: ClinVar variation 530025 (VCV000530025.10), dbSNP rs750596499, ClinGen allele CA411090369.
Genomic context (GRCh38, chr22:28,734,438, plus strand): 5'-GATACTATACAACAAAGGGTCTTACCAAGATTGGCAAATCCATCCTGAAGGGCCCATAAT[C>A]GAGCCCAGGGGGCAGGGGTAGGCTCCTCAGGTTCTTGGTCCTCAGGTTCTTGGTCCTCAG-3'
Protein context (NP_009125.1, residues 85-105): PEEPTPAPWA[Arg95Leu]LWALQDGFAN